The following is an entry in ClinVar:

NM_001134831.2(AHI1):c.2989-2A>G

Gene: AHI1 (Abelson helper integration site 1; minus strand). Cytogenetic location: 6q23.3.
Variant type: single nucleotide variant.
Coding change: c.2989-2A>G on transcript NM_001134831.2 (MANE Select); the canonical splice acceptor site of the intron before coding-DNA position 2989, A replaced by G.
Molecular consequence: splice acceptor variant.
Genome position (GRCh38, 1-based): chr6:135,394,898, T>C on the plus strand (A>G on the coding strand, the complement: AHI1 is on the minus strand). VCF-style: chr6-135394898-T-C. GRCh37 (hg19) VCF-style: chr6-135716036-T-C.
Other names: c.2989-2A>G (NM_001134830.2, NM_001350503.2, NM_017651.5 and 2 more transcripts).
Identifiers: ClinVar variation 1477691 (VCV001477691.6), dbSNP rs2128485171, ClinGen allele CA365843932.

ClinVar aggregate classification (germline): Likely pathogenic (1 of 4 stars; one submission).

Conditions:
Joubert syndrome. Also called: CEREBELLOPARENCHYMAL DISORDER IV; JOUBERT-BOLTSHAUSER SYNDROME; Familial aplasia of the vermis. Identifiers: Orphanet 475, MedGen C5979921, MONDO:0018772.

Submission:

Labcorp Genetics (formerly Invitae), Labcorp
Classification: Likely pathogenic for Joubert syndrome. Last evaluated: 2025-11-18. Review status: criteria provided, single submitter. Criteria: Invitae Variant Classification Sherloc (09022015). Collection method: clinical testing. Allele origin: germline.
Comment: This sequence change affects an acceptor splice site in intron 21 of the AHI1 gene. It is expected to disrupt RNA splicing. Variants that disrupt the donor or acceptor splice site typically lead to a loss of protein function (PMID: 16199547), and loss-of-function variants in AHI1 are known to be pathogenic (PMID: 15322546, 16453322, 28442542, 29186038). This variant is not present in population databases (gnomAD no frequency). This variant has not been reported in the literature in individuals affected with AHI1-related conditions. ClinVar contains an entry for this variant (Variation ID: 1477691). Algorithms developed to predict the effect of sequence changes on RNA splicing suggest that this variant may disrupt the consensus splice site. In summary, the currently available evidence indicates that the variant is pathogenic, but additional data are needed to prove that conclusively. Therefore, this variant has been classified as Likely Pathogenic.

Literature cited by the submitters: PubMed 16199547; PubMed 15322546; PubMed 16453322; PubMed 28442542; PubMed 29186038.